The following is an entry in ClinVar:

ClinVar aggregate classification (germline): Uncertain significance. Review status: criteria provided, multiple submitters, no conflicts (2 of 4 stars). 2 submissions from 2 submitters: Uncertain significance (2). Last evaluated 2024-03-04.

Conditions:
FAN1-related disorder. Also called: FAN1-related condition.
Karyomegalic interstitial nephritis. Identifiers: Orphanet 401996, MedGen C3553774, MONDO:0013898, OMIM 614817.

Allele frequency attached by ClinVar (database versions not stated): TOPMed 0.00002; gnomAD 0.00003; gnomAD exomes 0.00005; ExAC 0.00008; ESP Exome Variant Server 0.00015.
gnomAD v4.1: 84 of 1,613,900 alleles (0.0052%); highest among the groups gnomAD compares: South Asian, 0.025%; 1 homozygote.

Submissions (2):

Fulgent Genetics
Classification: Uncertain significance for Karyomegalic interstitial nephritis. Last evaluated: 2024-03-04. Review status: criteria provided, single submitter. Criteria: ACMG Guidelines, 2015. Collection method: clinical testing. Allele origin: germline.

PreventionGenetics, part of Exact Sciences
Classification: Uncertain significance for FAN1-related condition. Last evaluated: 2023-02-21. Review status: criteria provided, single submitter. Criteria: ACMG Guidelines, 2015. Collection method: clinical testing. Allele origin: germline.
Comment: The FAN1 c.461G>A variant is predicted to result in the amino acid substitution p.Ser154Asn. To our knowledge, this variant has not been reported in the literature. This variant is reported in 0.026% of alleles in individuals of South Asian descent in gnomAD, including one homozygote. At this time, the clinical significance of this variant is uncertain due to the absence of conclusive functional and genetic evidence.

NM_014967.5(FAN1):c.461G>A (p.Ser154Asn)

Gene: FAN1 (FANCD2 and FANCI associated nuclease 1; plus strand). Cytogenetic location: 15q13.3.
Variant type: single nucleotide variant.
Coding change: c.461G>A on transcript NM_014967.5 (MANE Select); coding-DNA position 461, G replaced by A.
Protein change: p.Ser154Asn; replaces serine 154 with asparagine.
Molecular consequence: missense variant.
Genome position (GRCh38, 1-based): chr15:30,905,124, G>A. VCF-style: chr15-30905124-G-A. GRCh37 (hg19) VCF-style: chr15-31197327-G-A.
Other names: c.461G>A, p.Ser154Asn (NM_001146094.2, NM_001146095.1, NM_001146096.2); short protein forms S154N.
Identifiers: ClinVar variation 2634538 (VCV002634538.2), dbSNP rs145226318, ClinGen allele CA7450068.